The following is an entry in ClinVar:

ClinVar aggregate classification (germline): Uncertain significance. Review status: criteria provided, multiple submitters, no conflicts (2 of 4 stars). 4 submissions from 4 submitters: Uncertain significance (4). Last evaluated 2025-06-12.

Conditions:
Hereditary cancer-predisposing syndrome. Also called: Hereditary neoplastic syndrome; Hereditary Cancer Syndrome; Neoplastic Syndromes, Hereditary; Tumor predisposition. Identifiers: Orphanet 140162, MedGen C0027672, MeSH D009386, MONDO:0015356.
Ataxia-telangiectasia syndrome (AT). Also called: Ataxia-telangiectasia, complementation group D; Cerebello-oculocutaneous telangiectasia; Immunodeficiency with ataxia telangiectasia; ATAXIA-TELANGIECTASIA, COMPLEMENTATION GROUP A; ATAXIA-TELANGIECTASIA, FRESNO VARIANT; LOUIS-BAR SYNDROME. Identifiers: Orphanet 100, MedGen C0004135, MONDO:0008840, OMIM 208900.

Allele frequency attached by ClinVar (database versions not stated): gnomAD exomes 0.00001; ExAC 0.00002.
gnomAD v4.1: 3 of 1,613,822 alleles (0.00019%); highest among the groups gnomAD compares: Admixed American, 0.005%; no homozygotes.

Submissions (4):

Ambry Genetics
Classification: Uncertain significance for Hereditary cancer-predisposing syndrome. Last evaluated: 2025-06-12. Review status: criteria provided, single submitter. Criteria: Ambry Variant Classification Scheme 2023. Collection method: clinical testing. Allele origin: germline.
Comment: The c.3993+3A>G intronic variant results from an A to G substitution 3 nucleotides after coding exon 25 in the ATM gene. This nucleotide position is well conserved in available vertebrate species. In silico splice site analysis for this alteration is inconclusive and direct evidence is insufficient at this time (Ambry internal data). Since supporting evidence is limited at this time, the clinical significance of this alteration remains unclear.

Labcorp Genetics (formerly Invitae), Labcorp
Classification: Uncertain significance for Ataxia-telangiectasia syndrome. Last evaluated: 2025-04-23. Review status: criteria provided, single submitter. Criteria: Invitae Variant Classification Sherloc (09022015). Collection method: clinical testing. Allele origin: germline.
Comment: This sequence change falls in intron 26 of the ATM gene. It does not directly change the encoded amino acid sequence of the ATM protein. It affects a nucleotide within the consensus splice site. This variant is present in population databases (rs771789242, gnomAD 0.009%). This variant has not been reported in the literature in individuals affected with ATM-related conditions. ClinVar contains an entry for this variant (Variation ID: 420827). Variants that disrupt the consensus splice site are a relatively common cause of aberrant splicing (PMID: 17576681, 9536098). Algorithms developed to predict the effect of sequence changes on RNA splicing suggest that this variant may create or strengthen a splice site. In summary, the available evidence is currently insufficient to determine the role of this variant in disease. Therefore, it has been classified as a Variant of Uncertain Significance.

Color Diagnostics, LLC DBA Color Health
Classification: Uncertain significance for Hereditary cancer-predisposing syndrome. Last evaluated: 2018-08-24. Review status: criteria provided, single submitter. Criteria: ACMG Guidelines, 2015. Collection method: clinical testing. Allele origin: germline.

GeneDx
Classification: Uncertain significance. Last evaluated: 2016-04-01. Review status: criteria provided, single submitter. Criteria: GeneDx Variant Classification (06012015). Collection method: clinical testing. Allele origin: germline. Affected: yes.
Comment: This variant is denoted ATM c.3993+3A>G or IVS26+3A>G and consists of a A>G nucleotide substitution at the +3 position of intron 26 of the ATM gene. Multiple in silico models predict this variant to destroy the nearby natural donor site and to possibly cause abnormal gene splicing; however, in the absence of RNA or functional studies, the actual effect of this variant is unknown. This variant has not, to our knowledge, been published in the literature as pathogenic or benign. ATM c.3993+3A>G was not observed in approximately 6,500 individuals of European and African American ancestry in the NHLBI Exome Sequencing Project, suggesting it is not a common benign variant in these populations. The adenine (A) nucleotide that is altered is not conserved across species. Based on currently available information, it is unclear whether ATM c.3993+3A>G is pathogenic or benign. We consider it to be a variant of uncertain significance.

Literature cited by the submitters: PubMed 17576681 (cited by Labcorp Genetics (formerly Invitae), Labcorp); PubMed 9536098 (cited by Labcorp Genetics (formerly Invitae), Labcorp).

NM_000051.4(ATM):c.3993+3A>G

Gene: ATM (ATM serine/threonine kinase; plus strand). Cytogenetic location: 11q22.3.
Variant type: single nucleotide variant.
Coding change: c.3993+3A>G on transcript NM_000051.4 (MANE Select); 3 bases into the intron after coding-DNA position 3993, A replaced by G.
Molecular consequence: intron variant.
Genome position (GRCh38, 1-based): chr11:108,284,476, A>G. VCF-style: chr11-108284476-A-G. GRCh37 (hg19) VCF-style: chr11-108155203-A-G.
Other names: c.3993+3A>G (NM_001351834.2).
Identifiers: ClinVar variation 420827 (VCV000420827.14), dbSNP rs771789242, ClinGen allele CA6265366.